The following is an entry in ClinVar:

NM_020458.4(TTC7A):c.1630del (p.Leu544fs)

Gene: TTC7A (tetratricopeptide repeat domain 7A; plus strand). Cytogenetic location: 2p21.
Variant type: Deletion.
Coding change: c.1630del on transcript NM_020458.4 (MANE Select); coding-DNA position 1630, one base deleted (C; older notation c.1630delC).
Protein change: p.Leu544fs; shifts the reading frame from leucine 544.
Molecular consequence: frameshift variant.
Genome position (GRCh38, 1-based): chr2:47,024,348, C deleted; the last of 3 consecutive C bases (chr2:47,024,346-47,024,348); deleting any one gives the same sequence. VCF-style (leftmost placement, unchanged base first): chr2-47024345-GC-G. GRCh37 (hg19) VCF-style: chr2-47251484-GC-G.
Other names: c.1630del, p.Leu544fs (NM_001288951.2); c.1528del, p.Leu510fs (NM_001288953.2); c.568del, p.Leu190fs (NM_001288955.2); short protein forms L510fs, L544fs, L190fs.
Identifiers: ClinVar variation 1704590 (VCV001704590.8), dbSNP rs767965414, ClinGen allele CA1647771.
Genomic context (GRCh38, chr2:47,024,345, plus strand): 5'-AGGGCTCAGCAGCTGGCGCCCAGTGACCCCCAGGTCATCCTCTATGTCTCGCTGCAGCTG[GC>G]CCTCGTCCGACAGGTGGGTTGTCCGTGTTCCTAACCCCCGGGTCCTCGGGGGCTGCTGAT-3'

ClinVar aggregate classification (germline): Pathogenic/Likely pathogenic. Review status: criteria provided, multiple submitters, no conflicts (2 of 4 stars). 3 submissions from 3 submitters: Pathogenic (1); Likely pathogenic (2). Last evaluated 2022-09-13.

Conditions:
Gastrointestinal defect and immunodeficiency syndrome. Also called: Gastrointestinal defects and immunodeficiency syndrome. Identifiers: MedGen C5234880, MONDO:0030831.
Gastrointestinal defects and immunodeficiency syndrome 1 (GIDID1). Also called: Combined immunodeficiency-enteropathy spectrum. Identifiers: Orphanet 436252, MedGen C5968858, MONDO:0800030, OMIM 243150.
Multiple gastrointestinal atresias. Also called: Multiple intestinal atresia; FAMILIAL INTESTINAL POLYATRESIA SYNDROME. Identifiers: Orphanet 2300, MedGen C0220744, MONDO:0009465.

Submissions (3):

Labcorp Genetics (formerly Invitae), Labcorp
Classification: Pathogenic for Multiple gastrointestinal atresias. Last evaluated: 2022-09-13. Review status: criteria provided, single submitter. Criteria: Invitae Variant Classification Sherloc (09022015). Collection method: clinical testing. Allele origin: germline.
Comment: For these reasons, this variant has been classified as Pathogenic. This sequence change creates a premature translational stop signal (p.Leu544Serfs*16) in the TTC7A gene. It is expected to result in an absent or disrupted protein product. Loss-of-function variants in TTC7A are known to be pathogenic (PMID: 23830146, 24292712). This variant has not been reported in the literature in individuals affected with TTC7A-related conditions. The frequency data for this variant in the population databases is considered unreliable, as metrics indicate poor data quality at this position in the gnomAD database.

Women's Health and Genetics/Laboratory Corporation of America, LabCorp
Classification: Likely pathogenic for Gastrointestinal defect and immunodeficiency syndrome. Last evaluated: 2022-07-15. Review status: criteria provided, single submitter. Criteria: LabCorp Variant Classification Summary - May 2015. Collection method: clinical testing. Allele origin: germline.
Comment: Variant summary: TTC7A c.1630delC (p.Leu544SerfsX16) results in a premature termination codon, predicted to cause a truncation of the encoded protein or absence of the protein due to nonsense mediated decay, which are commonly known mechanisms for disease. Truncations downstream of this position have been classified as pathogenic within ClinVar (e.g. c.1673_1674insG [p.Leu559fs], c.1869C>A [p.Cys623Ter]). The variant allele was found at a frequency of 1.2e-05 in 241294 control chromosomes (gnomAD). To our knowledge, no occurrence of c.1630delC in individuals affected with Gastrointestinal Defects And Immunodeficiency Syndrome and no experimental evidence demonstrating its impact on protein function have been reported. No clinical diagnostic laboratories have submitted clinical-significance assessments for this variant to ClinVar after 2014. Based on the evidence outlined above, the variant was classified as likely pathogenic.

Juno Genomics, Hangzhou Juno Genomics, Inc
Classification: Likely pathogenic for Gastrointestinal defects and immunodeficiency syndrome 1. Review status: criteria provided, single submitter. Criteria: ACMG Guidelines, 2015. Collection method: clinical testing. Allele origin: germline.
Comment: Null variant in a gene where loss of function (LOF) is a known mechanism of disease.;Absent from controls (or at extremely low frequency if recessive) in Genome Aggregation Database.

Literature cited by the submitters: PubMed 23830146 (cited by Labcorp Genetics (formerly Invitae), Labcorp); PubMed 24292712 (cited by Labcorp Genetics (formerly Invitae), Labcorp).